The following is an entry in ClinVar:

NM_017415.3(KLHL3):c.738G>T (p.Arg246Ser)

Gene: KLHL3 (kelch like family member 3; minus strand). Cytogenetic location: 5q31.2.
Variant type: single nucleotide variant.
Coding change: c.738G>T on transcript NM_017415.3 (MANE Select); coding-DNA position 738, G replaced by T.
Protein change: p.Arg246Ser; replaces arginine 246 with serine.
Molecular consequence: missense variant.
Genome position (GRCh38, 1-based): chr5:137,661,930, C>A on the plus strand (G>T on the coding strand, the complement: KLHL3 is on the minus strand). VCF-style: chr5-137661930-C-A. GRCh37 (hg19) VCF-style: chr5-136997619-C-A.
Other names: c.642G>T, p.Arg214Ser (NM_001257194.1); c.492G>T, p.Arg164Ser (NM_001257195.2); short protein forms R214S, R164S, R246S.
Identifiers: ClinVar variation 2183588 (VCV002183588.5), dbSNP rs145719825, ClinGen allele CA3422413.

ClinVar aggregate classification (germline): Uncertain significance. Review status: criteria provided, multiple submitters, no conflicts (2 of 4 stars). 2 submissions from 2 submitters: Uncertain significance (2). Last evaluated 2026-02-03.

Conditions:
Pseudohypoaldosteronism type 2D (PHA2D). Also called: FAMILIAL HYPERKALEMIC HYPERTENSION; PSEUDOHYPOALDOSTERONISM, TYPE IID, AUTOSOMAL DOMINANT OR RECESSIVE; Pseudohypoaldosteronism Type IID. Identifiers: Orphanet 300525, Orphanet 757, MedGen C3469605, MONDO:0013781, OMIM 614495.

Allele frequency attached by ClinVar (database versions not stated): ExAC 0.00007; gnomAD 0.00007; gnomAD exomes 0.00009; TOPMed 0.00010; ESP Exome Variant Server 0.00015.
gnomAD v4.1: 139 of 1,599,136 alleles (0.0087%); highest among the groups gnomAD compares: Admixed American, 0.012%; no homozygotes.

Submissions (2):

Labcorp Genetics (formerly Invitae), Labcorp
Classification: Uncertain significance. Last evaluated: 2026-02-03. Review status: criteria provided, single submitter. Criteria: Invitae Variant Classification Sherloc (09022015). Collection method: clinical testing. Allele origin: germline.
Comment: This sequence change replaces arginine, which is basic and polar, with serine, which is neutral and polar, at codon 246 of the KLHL3 protein (p.Arg246Ser). This variant is present in population databases (rs145719825, gnomAD 0.01%). This variant has not been reported in the literature in individuals affected with KLHL3-related conditions. ClinVar contains an entry for this variant (Variation ID: 2183588). Invitae Evidence Modeling of protein sequence and biophysical properties (such as structural, functional, and spatial information, amino acid conservation, physicochemical variation, residue mobility, and thermodynamic stability) indicates that this missense variant is not expected to disrupt KLHL3 protein function with a negative predictive value of 80%. In summary, the available evidence is currently insufficient to determine the role of this variant in disease. Therefore, it has been classified as a Variant of Uncertain Significance.

Fulgent Genetics
Classification: Uncertain significance for Pseudohypoaldosteronism type 2D. Last evaluated: 2024-04-23. Review status: criteria provided, single submitter. Criteria: ACMG Guidelines, 2015. Collection method: clinical testing. Allele origin: germline.